The following is an entry in ClinVar:

NM_020800.3(IFT80):c.1549A>G (p.Thr517Ala)

Genes: IFT80 (intraflagellar transport 80; minus strand), TRIM59-IFT80 (TRIM59-IFT80 readthrough (NMD candidate); minus strand). Cytogenetic location: 3q25.33.
Variant type: single nucleotide variant.
Coding change: c.1549A>G on transcript NM_020800.3 (MANE Select); coding-DNA position 1549, A replaced by G.
Protein change: p.Thr517Ala; replaces threonine 517 with alanine.
Molecular consequence: missense variant. On other transcripts: non-coding transcript variant (3).
Genome position (GRCh38, 1-based): chr3:160,280,782, T>C on the plus strand (A>G on the coding strand, the complement: IFT80 is on the minus strand). VCF-style: chr3-160280782-T-C. GRCh37 (hg19) VCF-style: chr3-159998570-T-C.
Other names: c.1138A>G, p.Thr380Ala (NM_001190241.2, NM_001190242.2); short protein forms T380A, T517A.
Identifiers: ClinVar variation 2024594 (VCV002024594.4), dbSNP rs2473112934, ClinGen allele CA355191372.

ClinVar aggregate classification (germline): Uncertain significance (1 of 4 stars; one submission).

Conditions:
Jeune thoracic dystrophy. Also called: Infantile thoracic dystrophy; Thoracic pelvic phalangeal dystrophy; Jeune's syndrome; Chondroectodermal dysplasia-like syndrome; Short-rib thoracic dysplasia; Jeune syndrome. Identifiers: Orphanet 474, MedGen C0265275, MONDO:0018770.

Allele frequency attached by ClinVar (database versions not stated): gnomAD exomes 0.00001.
gnomAD v4.1: 7 of 1,613,164 alleles (0.00043%); highest among the groups gnomAD compares: Non-Finnish European, 0.00059%; no homozygotes.

Submission:

Labcorp Genetics (formerly Invitae), Labcorp
Classification: Uncertain significance for Jeune thoracic dystrophy. Last evaluated: 2022-06-04. Review status: criteria provided, single submitter. Criteria: Invitae Variant Classification Sherloc (09022015). Collection method: clinical testing. Allele origin: germline.
Comment: This sequence change replaces threonine, which is neutral and polar, with alanine, which is neutral and non-polar, at codon 517 of the IFT80 protein (p.Thr517Ala). This variant is not present in population databases (gnomAD no frequency). This variant has not been reported in the literature in individuals affected with IFT80-related conditions. Algorithms developed to predict the effect of missense changes on protein structure and function output the following: SIFT: "Tolerated"; PolyPhen-2: "Benign"; Align-GVGD: "Class C0". The alanine amino acid residue is found in multiple mammalian species, which suggests that this missense change does not adversely affect protein function. In summary, the available evidence is currently insufficient to determine the role of this variant in disease. Therefore, it has been classified as a Variant of Uncertain Significance.